The following is an entry in ClinVar:

NM_198578.4(LRRK2):c.3662A>G (p.Asn1221Ser)

Gene: LRRK2 (leucine rich repeat kinase 2; plus strand). Cytogenetic location: 12q12.
Variant type: single nucleotide variant.
Coding change: c.3662A>G on transcript NM_198578.4 (MANE Select); coding-DNA position 3662, A replaced by G.
Protein change: p.Asn1221Ser; replaces asparagine 1221 with serine.
Molecular consequence: missense variant.
Genome position (GRCh38, 1-based): chr12:40,304,019, A>G. VCF-style: chr12-40304019-A-G. GRCh37 (hg19) VCF-style: chr12-40697821-A-G.
Other names: short protein forms N1221S.
Identifiers: ClinVar variation 3540733 (VCV003540733.1).

ClinVar aggregate classification (germline): Uncertain significance (1 of 4 stars; one submission).

Conditions:
Inborn genetic diseases. Identifiers: MedGen C0950123, MeSH D030342.

gnomAD v4.1: 1 of 1,613,778 alleles (0.000062%); no homozygotes.

Submission:

Ambry Genetics
Classification: Uncertain significance for Inborn genetic diseases. Last evaluated: 2024-10-14. Review status: criteria provided, single submitter. Criteria: Ambry Variant Classification Scheme 2023. Collection method: clinical testing. Allele origin: germline.
Comment: The p.N1221S variant (also known as c.3662A>G), located in coding exon 27 of the LRRK2 gene, results from an A to G substitution at nucleotide position 3662. The asparagine at codon 1221 is replaced by serine, an amino acid with highly similar properties. This amino acid position is conserved. In addition, this alteration is predicted to be tolerated by in silico analysis. Based on the available evidence, the clinical significance of this variant remains unclear.